The following is an entry in ClinVar:

NM_004064.5(CDKN1B):c.452T>A (p.Ile151Lys)

Gene: CDKN1B (cyclin dependent kinase inhibitor 1B; plus strand). Cytogenetic location: 12p13.1.
Variant type: single nucleotide variant.
Coding change: c.452T>A on transcript NM_004064.5 (MANE Select); coding-DNA position 452, T replaced by A.
Protein change: p.Ile151Lys; replaces isoleucine 151 with lysine.
Molecular consequence: missense variant.
Genome position (GRCh38, 1-based): chr12:12,718,291, T>A. VCF-style: chr12-12718291-T-A. GRCh37 (hg19) VCF-style: chr12-12871225-T-A.
Other names: c.452T>A (NM_004064.3, NM_004064.4); short protein forms I151K.
Identifiers: ClinVar variation 1013844 (VCV001013844.10), dbSNP rs760454287, ClinGen allele CA6457501.

ClinVar aggregate classification (germline): Uncertain significance. Review status: criteria provided, multiple submitters, no conflicts (2 of 4 stars). 3 submissions from 3 submitters: Uncertain significance (3). Last evaluated 2025-10-22.

Conditions:
Hereditary cancer-predisposing syndrome. Also called: Tumor predisposition; Hereditary Cancer Syndrome; Neoplastic Syndromes, Hereditary; Hereditary neoplastic syndrome. Identifiers: Orphanet 140162, MedGen C0027672, MeSH D009386, MONDO:0015356.
Multiple endocrine neoplasia type 4. Also called: MULTIPLE ENDOCRINE NEOPLASIA, TYPE IV. Identifiers: Orphanet 276152, MedGen C1970712, MONDO:0012552, OMIM 610755.
CDKN1B-related disorder. Also called: CDKN1B-related condition.

Allele frequency attached by ClinVar (database versions not stated): gnomAD exomes below 0.00001; ExAC 0.00001.
gnomAD v4.1: 12 of 1,604,414 alleles (0.00075%); highest among the groups gnomAD compares: Non-Finnish European, 0.00093%; no homozygotes.

Submissions (3):

Ambry Genetics
Classification: Uncertain significance for Hereditary cancer-predisposing syndrome. Last evaluated: 2025-10-22. Review status: criteria provided, single submitter. Criteria: Ambry Variant Classification Scheme 2023. Collection method: clinical testing. Allele origin: germline.
Comment: The p.I151K variant (also known as c.452T>A), located in coding exon 1 of the CDKN1B gene, results from a T to A substitution at nucleotide position 452. The isoleucine at codon 151 is replaced by lysine, an amino acid with dissimilar properties. This amino acid position is conserved. In addition, this alteration is predicted to be tolerated by in silico analysis. Since supporting evidence is limited at this time, the clinical significance of this alteration remains unclear.

Labcorp Genetics (formerly Invitae), Labcorp
Classification: Uncertain significance for Multiple endocrine neoplasia type 4. Last evaluated: 2023-08-20. Review status: criteria provided, single submitter. Criteria: Invitae Variant Classification Sherloc (09022015). Collection method: clinical testing. Allele origin: germline.
Comment: This variant is present in population databases (rs760454287, gnomAD 0.0009%). This sequence change replaces isoleucine, which is neutral and non-polar, with lysine, which is basic and polar, at codon 151 of the CDKN1B protein (p.Ile151Lys). This variant has not been reported in the literature in individuals affected with CDKN1B-related conditions. ClinVar contains an entry for this variant (Variation ID: 1013844). An algorithm developed to predict the effect of missense changes on protein structure and function (PolyPhen-2) suggests that this variant¬†is likely to be tolerated. In summary, the available evidence is currently insufficient to determine the role of this variant in disease. Therefore, it has been classified as a Variant of Uncertain Significance.

PreventionGenetics, part of Exact Sciences
Classification: Uncertain significance for CDKN1B-related condition. Last evaluated: 2022-09-25. Review status: criteria provided, single submitter. Criteria: ACMG Guidelines, 2015. Collection method: clinical testing. Allele origin: germline.
Comment: The CDKN1B c.452T>A variant is predicted to result in the amino acid substitution p.Ile151Lys. To our knowledge, this variant has not been reported in the literature. This variant is reported in 0.00089% of alleles in individuals of European (Non-Finnish) descent in gnomAD. At this time, the clinical significance of this variant is uncertain due to the absence of conclusive functional and genetic evidence.